The following is an entry in ClinVar:

NM_016239.4(MYO15A):c.7185T>C (p.Phe2395=)

Gene: MYO15A (myosin XVA; plus strand). Cytogenetic location: 17p11.2.
Variant type: single nucleotide variant.
Coding change: c.7185T>C on transcript NM_016239.4 (MANE Select); coding-DNA position 7185, T replaced by C.
Protein change: p.Phe2395=; no amino-acid change (phenylalanine 2395 retained).
Molecular consequence: synonymous variant.
Genome position (GRCh38, 1-based): chr17:18,149,553, T>C. VCF-style: chr17-18149553-T-C. GRCh37 (hg19) VCF-style: chr17-18052867-T-C.
Other names: p.Phe2395=.
Identifiers: ClinVar variation 45758 (VCV000045758.28), dbSNP rs2955379, ClinGen allele CA137004.

ClinVar aggregate classification (germline): Benign. Review status: criteria provided, multiple submitters, no conflicts (2 of 4 stars). 12 submissions from 12 submitters: Benign (10). 2 of the submissions do not count toward it. Last evaluated 2026-02-04.

Conditions:
Autosomal recessive nonsyndromic hearing loss 3. Also called: NEUROSENSORY NONSYNDROMIC RECESSIVE DEAFNESS 3. Identifiers: Orphanet 90636, MedGen C1838263, MONDO:0010860, OMIM 600316.

Allele frequency attached by ClinVar (database versions not stated): gnomAD exomes 0.98631 and 0.99689; 1000 Genomes Project 30x 0.98735; ExAC 0.98947; 1000 Genomes Project 0.98982; TOPMed 0.99038; gnomAD 0.99463 and 0.99481; ESP Exome Variant Server 0.99952.
gnomAD v4.1: 1,608,939 of 1,614,224 alleles (100%); highest among the groups gnomAD compares: Non-Finnish European, 100%; 802,041 homozygotes.

Submissions (12):

Labcorp Genetics (formerly Invitae), Labcorp
Classification: Benign. Last evaluated: 2026-02-04. Review status: criteria provided, single submitter. Criteria: Invitae Variant Classification Sherloc (09022015). Collection method: clinical testing. Allele origin: germline.

Women's Health and Genetics/Laboratory Corporation of America, LabCorp
Classification: Benign. Last evaluated: 2026-01-08. Review status: criteria provided, single submitter. Criteria: LabCorp Variant Classification Summary - May 2015. Collection method: clinical testing. Allele origin: germline.

Fulgent Genetics
Classification: Benign for Autosomal recessive nonsyndromic hearing loss 3. Last evaluated: 2021-10-21. Review status: criteria provided, single submitter. Criteria: ACMG Guidelines, 2015. Collection method: clinical testing. Allele origin: unknown.

Genome-Nilou Lab
Classification: Benign for Autosomal recessive nonsyndromic hearing loss 3. Last evaluated: 2021-09-05. Review status: criteria provided, single submitter. Criteria: ACMG Guidelines, 2015. Collection method: clinical testing. Allele origin: germline. Affected: no.

Mayo Clinic Laboratories, Mayo Clinic
Classification: Benign. Last evaluated: 2020-07-01. Review status: criteria provided, single submitter. Criteria: ACMG Guidelines, 2015. Collection method: clinical testing. Allele origin: germline. Observed: 159 variant alleles.

Illumina Laboratory Services, Illumina
Classification: Benign for Autosomal recessive nonsyndromic hearing loss 3. Last evaluated: 2018-01-12. Review status: criteria provided, single submitter. Criteria: ICSL Variant Classification Criteria 13 December 2019. Collection method: clinical testing. Allele origin: germline.
Comment: This variant was observed in the ICSL laboratory as part of a predisposition screen in an ostensibly healthy population. It had not been previously curated by ICSL or reported in the Human Gene Mutation Database (HGMD: prior to June 1st, 2018), and was therefore a candidate for classification through an automated scoring system. Utilizing variant allele frequency, disease prevalence and penetrance estimates, and inheritance mode, an automated score was calculated to assess if this variant is too frequent to cause the disease. Based on the score and internal cut-off values, a variant classified as benign is not then subjected to further curation. The score for this variant resulted in a classification of benign for this disease.

GeneDx
Classification: Benign. Last evaluated: 2017-05-09. Review status: criteria provided, single submitter. Criteria: GeneDx Variant Classification (06012015). Collection method: clinical testing. Allele origin: germline. Affected: yes.
Comment: This variant is considered likely benign or benign based on one or more of the following criteria: it is a conservative change, it occurs at a poorly conserved position in the protein, it is predicted to be benign by multiple in silico algorithms, and/or has population frequency not consistent with disease.

Laboratory for Molecular Medicine, Mass General Brigham Personalized Medicine
Classification: Benign. Last evaluated: 2012-11-29. Review status: criteria provided, single submitter. Criteria: LMM Criteria. Collection method: clinical testing. Allele origin: germline. Observed: 1,657 variant alleles.
Comment: This is the major allele (dbSNP rs2955379).

Breakthrough Genomics
Classification: Benign. Review status: criteria provided, single submitter. Criteria: ACMG Guidelines, 2015. Collection method: not provided. Allele origin: germline. Inheritance: Autosomal recessive inheritance. Affected: yes.

PreventionGenetics, part of Exact Sciences
Classification: Benign. Review status: criteria provided, single submitter. Criteria: ACMG Guidelines, 2015. Collection method: clinical testing. Allele origin: germline.

Diagnostic Laboratory, Department of Genetics, University Medical Center Groningen
Classification: Benign. Review status: no assertion criteria provided. Collection method: clinical testing. Allele origin: germline. Affected: yes. Study: VKGL Data-share Consensus. Not counted in ClinVar's aggregate classification.

Joint Genome Diagnostic Labs from Nijmegen and Maastricht, Radboudumc and MUMC+
Classification: Benign. Review status: no assertion criteria provided. Collection method: clinical testing. Allele origin: germline. Affected: yes. Study: VKGL Data-share Consensus. Not counted in ClinVar's aggregate classification.